The following is an entry in ClinVar:

NM_001378615.1(CC2D2A):c.3790G>A (p.Glu1264Lys)

Genes: CC2D2A (coiled-coil and C2 domain containing 2A; plus strand), FBXL5 (F-box and leucine rich repeat protein 5; minus strand). Cytogenetic location: 4p15.32.
Variant type: single nucleotide variant.
Coding change: c.3790G>A on transcript NM_001378615.1 (MANE Select); coding-DNA position 3790, G replaced by A.
Protein change: p.Glu1264Lys; replaces glutamic acid 1264 with lysine.
Molecular consequence: missense variant.
Genome position (GRCh38, 1-based): chr4:15,579,986, G>A. VCF-style: chr4-15579986-G-A. GRCh37 (hg19) VCF-style: chr4-15581609-G-A.
Other names: c.3790G>A, p.Glu1264Lys (NM_001080522.2); c.3643G>A, p.Glu1215Lys (NM_001378617.1); short protein forms E1215K, E1264K.
Identifiers: ClinVar variation 2936263 (VCV002936263.3), dbSNP rs1341597443, ClinGen allele CA356425424.
Genomic context (GRCh38, chr4:15,579,986, plus strand): 5'-TTGTAATCATACATAAACTCCATGAAGTCTTTCTTTTTGAAGTTTGAGTCTCAGGAAGAT[G>A]AGAAATTACTTCAAGCAACTGAGAAGTTTCAAGCTGAATGTGCCTTAAAGTTTCCAAATC-3'
Protein context (NP_001365544.1, residues 1254-1274): IREKFESQED[Glu1264Lys]KLLQATEKFQ

ClinVar aggregate classification (germline): Uncertain significance (1 of 4 stars; one submission).

Conditions:
Joubert syndrome. Also called: JOUBERT-BOLTSHAUSER SYNDROME; Familial aplasia of the vermis. Identifiers: Orphanet 475, MedGen C5979921, MONDO:0018772.
Meckel-Gruber syndrome. Also called: DYSENCEPHALIA SPLANCHNOCYSTICA; GRUBER SYNDROME; Dysencephalia splachnocystica. Identifiers: Orphanet 564, MedGen C0265215, MONDO:0018921.

Allele frequency attached by ClinVar (database versions not stated): TOPMed 0.00001.

Submission:

Labcorp Genetics (formerly Invitae), Labcorp
Classification: Uncertain significance for Joubert syndrome; Meckel-Gruber syndrome. Last evaluated: 2022-11-23. Review status: criteria provided, single submitter. Criteria: Invitae Variant Classification Sherloc (09022015). Collection method: clinical testing. Allele origin: germline.
Comment: Algorithms developed to predict the effect of missense changes on protein structure and function (SIFT, PolyPhen-2, Align-GVGD) all suggest that this variant is likely to be tolerated. In summary, the available evidence is currently insufficient to determine the role of this variant in disease. Therefore, it has been classified as a Variant of Uncertain Significance. Algorithms developed to predict the effect of sequence changes on RNA splicing suggest that this variant may disrupt the consensus splice site. This variant has not been reported in the literature in individuals affected with CC2D2A-related conditions. This variant is not present in population databases (gnomAD no frequency). This sequence change replaces glutamic acid, which is acidic and polar, with lysine, which is basic and polar, at codon 1264 of the CC2D2A protein (p.Glu1264Lys).